The following is an entry in ClinVar:

NM_001386298.1(CIC):c.2884G>A (p.Val962Met)

Gene: CIC (capicua transcriptional repressor; plus strand). Cytogenetic location: 19q13.2.
Variant type: single nucleotide variant.
Coding change: c.2884G>A on transcript NM_001386298.1 (MANE Select); coding-DNA position 2884, G replaced by A.
Protein change: p.Val962Met; replaces valine 962 with methionine.
Molecular consequence: missense variant.
Genome position (GRCh38, 1-based): chr19:42,286,860, G>A. VCF-style: chr19-42286860-G-A. GRCh37 (hg19) VCF-style: chr19-42791012-G-A.
Other names: c.2884G>A, p.Val962Met (NM_001304815.2, NM_001379480.1, NM_001379482.1 and 1 more transcripts); c.157G>A, p.Val53Met (NM_001379484.1, NM_001379485.1, NM_015125.5); short protein forms V53M, V962M.
Identifiers: ClinVar variation 2558750 (VCV002558750.3), dbSNP rs779223688, ClinGen allele CA9471632.
Genomic context (GRCh38, chr19:42,286,860, plus strand): 5'-GCTGTGTTCCCTTGGCACTCCTTAGTCCCCTTCCTGGCACCCAGCCAGCCTGACCCCTCC[G>A]TGCAGCCGAGCGAGGCCCAGCAACCTGCCAGCCACCCAGTGGCCTCCAACCAGAGCAAAG-3'
Protein context (NP_001373227.1, residues 952-972): FLAPSQPDPS[Val962Met]QPSEAQQPAS

ClinVar aggregate classification (germline): Uncertain significance. Review status: criteria provided, multiple submitters, no conflicts (2 of 4 stars). 2 submissions from 2 submitters: Uncertain significance (2). Last evaluated 2025-09-29.

Conditions:
CIC-related disorder. Also called: CIC-related condition.
Inborn genetic diseases. Identifiers: MedGen C0950123, MeSH D030342.

Allele frequency attached by ClinVar (database versions not stated): ExAC 0.00001; gnomAD 0.00001; gnomAD exomes 0.00001; TOPMed 0.00001.
gnomAD v4.1: 15 of 1,613,394 alleles (0.00093%); highest among the groups gnomAD compares: South Asian, 0.0022%; no homozygotes.

Submissions (2):

PreventionGenetics, part of Exact Sciences
Classification: Uncertain significance for CIC-related condition. Last evaluated: 2025-09-29. Review status: criteria provided, single submitter. Criteria: ACMG Guidelines, 2015. Collection method: clinical testing. Allele origin: germline.
Comment: The CIC c.157G>A variant is predicted to result in the amino acid substitution p.Val53Met. To our knowledge, this variant has not been reported in the literature. This variant is reported in 0.0033% of alleles in individuals of South Asian descent in gnomAD. At this time, the clinical significance of this variant is uncertain due to the absence of conclusive functional and genetic evidence.

Ambry Genetics
Classification: Uncertain significance for Inborn genetic diseases. Last evaluated: 2023-05-16. Review status: criteria provided, single submitter. Criteria: Ambry Variant Classification Scheme 2023. Collection method: clinical testing. Allele origin: germline.